The following is an entry in ClinVar:

NM_000038.6(APC):c.2259T>C (p.His753=)

Gene: APC (APC regulator of Wnt signaling pathway; plus strand). Cytogenetic location: 5q22.2.
Variant type: single nucleotide variant.
Coding change: c.2259T>C on transcript NM_000038.6 (MANE Select); coding-DNA position 2259, T replaced by C.
Protein change: p.His753=; no amino-acid change (histidine 753 retained).
Molecular consequence: synonymous variant. On other transcripts: non-coding transcript variant (2).
Genome position (GRCh38, 1-based): chr5:112,837,853, T>C. VCF-style: chr5-112837853-T-C. GRCh37 (hg19) VCF-style: chr5-112173550-T-C.
Other names: c.2259T>C (NM_000038.5); c.2259T>C, p.His753= (NM_001127510.3, NM_001354895.2, NM_001407450.1); c.2205T>C, p.His735= (NM_001127511.3); c.2313T>C, p.His771= (NM_001354896.2, NM_001407447.1, NM_001407448.1 and 1 more transcripts); c.2289T>C, p.His763= (NM_001354897.2); c.2184T>C, p.His728= (NM_001354898.2); c.2175T>C, p.His725= (NM_001354899.2); c.2136T>C, p.His712= (NM_001354900.2); and 12 more.
Identifiers: ClinVar variation 2130209 (VCV002130209.6), dbSNP rs763155470, ClinGen allele CA445963290.

ClinVar aggregate classification (germline): Benign/Likely benign. Review status: criteria provided, multiple submitters, no conflicts (2 of 4 stars). 3 submissions from 3 submitters: Benign (1); Likely benign (2). Last evaluated 2024-05-21.

Conditions:
Hereditary cancer-predisposing syndrome. Also called: Hereditary neoplastic syndrome; Tumor predisposition; Hereditary Cancer Syndrome; Neoplastic Syndromes, Hereditary. Identifiers: Orphanet 140162, MedGen C0027672, MeSH D009386, MONDO:0015356.
Familial adenomatous polyposis 1 (FAP1). Also called: POLYPOSIS, ADENOMATOUS INTESTINAL; FAMILIAL ADENOMATOUS POLYPOSIS 1, ATTENUATED. Identifiers: MedGen C2713442, MONDO:0021056, OMIM 175100. Disease mechanism: loss of function.

Allele frequency attached by ClinVar (database versions not stated): gnomAD exomes below 0.00001.
gnomAD v4.1: 4 of 1,614,078 alleles (0.00025%); highest among the groups gnomAD compares: Non-Finnish European, 0.00034%; no homozygotes.

Submissions (3):

Ambry Genetics
Classification: Likely benign for Hereditary cancer-predisposing syndrome. Last evaluated: 2024-05-21. Review status: criteria provided, single submitter. Criteria: Ambry Variant Classification Scheme 2023. Collection method: clinical testing. Allele origin: germline.

Labcorp Genetics (formerly Invitae), Labcorp
Classification: Likely benign for Familial adenomatous polyposis 1. Last evaluated: 2024-04-08. Review status: criteria provided, single submitter. Criteria: Invitae Variant Classification Sherloc (09022015). Collection method: clinical testing. Allele origin: germline.

Myriad Genetics, Inc.
Classification: Benign for Familial adenomatous polyposis 1. Last evaluated: 2024-03-11. Review status: criteria provided, single submitter. Criteria: Myriad Autosomal Dominant, Autosomal Recessive and X-Linked Classification Criteria (2023). Collection method: clinical testing. Allele origin: unknown.
Comment: This variant is considered benign. This variant is a silent/synonymous amino acid change and it is not expected to impact splicing.